The following is an entry in ClinVar:

NM_005560.6(LAMA5):c.10770C>T (p.Phe3590=)

Gene: LAMA5 (laminin subunit alpha 5; minus strand). Cytogenetic location: 20q13.33.
Variant type: single nucleotide variant.
Coding change: c.10770C>T on transcript NM_005560.6 (MANE Select); coding-DNA position 10770, C replaced by T.
Protein change: p.Phe3590=; no amino-acid change (phenylalanine 3590 retained).
Molecular consequence: synonymous variant.
Genome position (GRCh38, 1-based): chr20:62,310,046, G>A on the plus strand (C>T on the coding strand, the complement: LAMA5 is on the minus strand). VCF-style: chr20-62310046-G-A. GRCh37 (hg19) VCF-style: chr20-60885102-G-A.
Other names: p.Phe3590=.
Identifiers: ClinVar variation 756935 (VCV000756935.34), dbSNP rs144342844, ClinGen allele CA9939621.

ClinVar aggregate classification (germline): Likely benign. Review status: criteria provided, multiple submitters, no conflicts (2 of 4 stars). 4 submissions from 4 submitters: Likely benign (4). Last evaluated 2025-12-08.

Allele frequency attached by ClinVar (database versions not stated): TOPMed 0.00022; gnomAD 0.00026 and 0.00027; ESP Exome Variant Server 0.00031; gnomAD exomes 0.00035; ExAC 0.00036.
gnomAD v4.1: 587 of 1,611,222 alleles (0.036%); highest among the groups gnomAD compares: South Asian, 0.082%; 1 homozygote.

Submissions (4):

Labcorp Genetics (formerly Invitae), Labcorp
Classification: Likely benign. Last evaluated: 2025-12-08. Review status: criteria provided, single submitter. Criteria: Invitae Variant Classification Sherloc (09022015). Collection method: clinical testing. Allele origin: germline.

Mayo Clinic Laboratories, Mayo Clinic
Classification: Likely benign. Last evaluated: 2025-06-18. Review status: criteria provided, single submitter. Criteria: ACMG Guidelines, 2015. Collection method: clinical testing. Allele origin: germline. Observed: 1 variant allele.
Comment: BP4, BP7

Blueprint Genetics
Classification: Likely benign. Last evaluated: 2024-11-14. Review status: criteria provided, single submitter. Criteria: ACMG Guidelines, 2015. Collection method: clinical testing. Allele origin: germline.

CeGaT Center for Human Genetics Tuebingen
Classification: Likely benign. Last evaluated: 2024-05-01. Review status: criteria provided, single submitter. Criteria: CeGaT Center For Human Genetics Tuebingen Variant Classification Criteria Version 2. Collection method: clinical testing. Allele origin: germline. Affected: yes. Observed: 2 variant alleles.
Comment: LAMA5: BP4, BP7